The following is an entry in ClinVar:

NC_000014.9:g.105909907G>A

Genes: IGH (immunoglobulin heavy locus; minus strand), IGHD1-7 (immunoglobulin heavy diversity 1-7; minus strand). Cytogenetic location: 14q32.33.
Variant type: single nucleotide variant.
Genome position: GRCh38 VCF-style: chr14-105909907-G-A. GRCh37 (hg19) VCF-style: chr14-106375766-G-A.
Identifiers: ClinVar variation 2644928 (VCV002644928.23), dbSNP rs1368381473, ClinGen allele CA703573207.

ClinVar aggregate classification (germline): Likely benign (1 of 4 stars; one submission).

Allele frequency attached by ClinVar (database versions not stated): gnomAD 0.00042; gnomAD exomes 0.00019.

Submission:

CeGaT Center for Human Genetics Tuebingen
Classification: Likely benign. Last evaluated: 2022-12-01. Review status: criteria provided, single submitter. Criteria: CeGaT Center For Human Genetics Tuebingen Variant Classification Criteria Version 2. Collection method: clinical testing. Allele origin: germline. Affected: yes. Observed: 1 variant allele.
Comment: ENSG00000288730: BS2